The following is an entry in ClinVar:

NM_001162501.2(TNRC6B):c.5318G>T (p.Gly1773Val)

Gene: TNRC6B (trinucleotide repeat containing adaptor 6B; plus strand). Cytogenetic location: 22q13.1.
Variant type: single nucleotide variant.
Coding change: c.5318G>T on transcript NM_001162501.2 (MANE Select); coding-DNA position 5318, G replaced by T.
Protein change: p.Gly1773Val; replaces glycine 1773 with valine.
Molecular consequence: missense variant.
Genome position (GRCh38, 1-based): chr22:40,323,057, G>T. VCF-style: chr22-40323057-G-T. GRCh37 (hg19) VCF-style: chr22-40719061-G-T.
Other names: c.2906G>T, p.Gly969Val (NM_001024843.2); c.4988G>T, p.Gly1663Val (NM_015088.3); short protein forms G1663V, G1773V, G969V.
Identifiers: ClinVar variation 1806497 (VCV001806497.1), dbSNP rs1019234785, ClinGen allele CA324454376.
Genomic context (GRCh38, chr22:40,323,057, plus strand): 5'-AGAACCAGTCAGATCCCGTGGGACCTGCTCTGAATCTTTTTGGTGGGTCCACTGGGCTCG[G>T]GCAGTGGAGCAGCAGCGCTGGTGGCAGCAGCGGGGCCGATCTTGCTGGCGCTTCATTGTG-3'
Protein context (NP_001155973.1, residues 1763-1783): LNLFGGSTGL[Gly1773Val]QWSSSAGGSS

ClinVar aggregate classification (germline): Uncertain significance (1 of 4 stars; one submission).

Allele frequency attached by ClinVar (database versions not stated): TOPMed 0.00001; gnomAD 0.00002.

Submission:

GeneDx
Classification: Uncertain significance. Last evaluated: 2022-06-22. Review status: criteria provided, single submitter. Criteria: GeneDx Variant Classification Process June 2021. Collection method: clinical testing. Allele origin: germline. Affected: yes.
Comment: Not observed at significant frequency in large population cohorts (gnomAD); In silico analysis supports that this missense variant has a deleterious effect on protein structure/function; Has not been previously published as pathogenic or benign to our knowledge